The following is an entry in ClinVar:

ClinVar aggregate classification (germline): Uncertain significance. Review status: criteria provided, multiple submitters, no conflicts (2 of 4 stars). 2 submissions from 2 submitters: Uncertain significance (2). Last evaluated 2025-06-12.

Conditions:
POLD1-related polyposis and colorectal cancer syndrome (CRCS10). Also called: Colorectal cancer, susceptibility to, 10; Colorectal cancer 10; COLORECTAL CANCER, SUSCEPTIBILITY TO, ON CHROMOSOME 19q. Identifiers: Orphanet 220460, MedGen C2675481, MONDO:0012953, OMIM 612591.
Hereditary cancer-predisposing syndrome. Also called: Hereditary neoplastic syndrome; Tumor predisposition; Hereditary Cancer Syndrome; Neoplastic Syndromes, Hereditary. Identifiers: Orphanet 140162, MedGen C0027672, MeSH D009386, MONDO:0015356.

Allele frequency attached by ClinVar (database versions not stated): TOPMed below 0.00001.
gnomAD v4.1: 4 of 1,613,586 alleles (0.00025%); highest among the groups gnomAD compares: Non-Finnish European, 0.00025%; no homozygotes.

Submissions (2):

Ambry Genetics
Classification: Uncertain significance for Hereditary cancer-predisposing syndrome. Last evaluated: 2025-06-12. Review status: criteria provided, single submitter. Criteria: Ambry Variant Classification Scheme 2023. Collection method: clinical testing. Allele origin: germline.
Comment: The p.R652W variant (also known as c.1954C>T), located in coding exon 15 of the POLD1 gene, results from a C to T substitution at nucleotide position 1954. The arginine at codon 652 is replaced by tryptophan, an amino acid with dissimilar properties. This amino acid position is highly conserved in available vertebrate species. In addition, the in silico prediction for this alteration is inconclusive. Based on the available evidence, the clinical significance of this variant remains unclear.

Labcorp Genetics (formerly Invitae), Labcorp
Classification: Uncertain significance for POLD1-related polyposis and colorectal cancer syndrome. Last evaluated: 2025-05-18. Review status: criteria provided, single submitter. Criteria: Invitae Variant Classification Sherloc (09022015). Collection method: clinical testing. Allele origin: germline.
Comment: This sequence change replaces arginine, which is basic and polar, with tryptophan, which is neutral and slightly polar, at codon 652 of the POLD1 protein (p.Arg652Trp). This variant is not present in population databases (gnomAD no frequency). This variant has not been reported in the literature in individuals affected with POLD1-related conditions. ClinVar contains an entry for this variant (Variation ID: 658888). Invitae Evidence Modeling of protein sequence and biophysical properties (such as structural, functional, and spatial information, amino acid conservation, physicochemical variation, residue mobility, and thermodynamic stability) indicates that this missense variant is expected to disrupt POLD1 protein function with a positive predictive value of 80%. In summary, the available evidence is currently insufficient to determine the role of this variant in disease. Therefore, it has been classified as a Variant of Uncertain Significance.

NM_002691.4(POLD1):c.1954C>T (p.Arg652Trp)

Gene: POLD1 (DNA polymerase delta 1, catalytic subunit; plus strand). Cytogenetic location: 19q13.33.
Variant type: single nucleotide variant.
Coding change: c.1954C>T on transcript NM_002691.4 (MANE Select); coding-DNA position 1954, C replaced by T.
Protein change: p.Arg652Trp; replaces arginine 652 with tryptophan.
Molecular consequence: missense variant. On other transcripts: non-coding transcript variant (1).
Genome position (GRCh38, 1-based): chr19:50,409,183, C>T. VCF-style: chr19-50409183-C-T. GRCh37 (hg19) VCF-style: chr19-50912440-C-T.
Other names: c.1954C>T, p.Arg652Trp (NM_001256849.1); c.2032C>T, p.Arg678Trp (NM_001308632.1); c.1954C>T (NM_002691.2); short protein forms R652W, R678W.
Identifiers: ClinVar variation 658888 (VCV000658888.11), dbSNP rs756335769, ClinGen allele CA406982313.
Genomic context (GRCh38, chr19:50,409,183, plus strand): 5'-CTGACTGAGGATCAGTTCATCAGGACCCCCACCGGGGACGAGTTTGTGAAGACCTCAGTG[C>T]GGAAGGGGCTGCTGCCCCAGATCCTGGAGAACCTGCTCAGTGCCCGGAAGAGGTGAGCCC-3'
Protein context (NP_002682.2, residues 642-662): TGDEFVKTSV[Arg652Trp]KGLLPQILEN